The following is an entry in ClinVar:

NM_001267550.2(TTN):c.106117C>A (p.Gln35373Lys)

Genes: TTN (titin; minus strand), TTN-AS1 (TTN antisense RNA 1; plus strand), LOC129935182 (ATAC-STARR-seq lymphoblastoid active region 16807; plus strand). Cytogenetic location: 2q31.2.
Variant type: single nucleotide variant.
Coding change: c.106117C>A on transcript NM_001267550.2 (MANE Select); coding-DNA position 106117, C replaced by A.
Protein change: p.Gln35373Lys; replaces glutamine 35373 with lysine.
Molecular consequence: missense variant.
Genome position (GRCh38, 1-based): chr2:178,530,498, G>T on the plus strand (C>A on the coding strand, the complement: TTN is on the minus strand). VCF-style: chr2-178530498-G-T. GRCh37 (hg19) VCF-style: chr2-179395225-G-T.
Other names: c.101194C>A, p.Gln33732Lys (NM_001256850.1); c.78922C>A, p.Gln26308Lys (NM_003319.4); c.98413C>A, p.Gln32805Lys (NM_133378.4); c.79297C>A, p.Gln26433Lys (NM_133432.3); c.79498C>A, p.Gln26500Lys (NM_133437.4); short protein forms Q26308K, Q26433K, Q26500K, Q32805K, Q33732K, Q35373K.
Identifiers: ClinVar variation 1064035 (VCV001064035.12), dbSNP rs778126842, ClinGen allele CA1985163.
Genomic context (GRCh38, chr2:178,530,498, plus strand): 5'-TAGTTTCTGATATTTTTGATACCTTCTCATGGATACTCTTAAAGGCTTGCCCCATAAATT[G>T]TAAGTTGGTTTTAGACGTTCCACCTTCACCAGAAATCTCACAAACATATTCTCCTTGATC-3'
Protein context (NP_001254479.2, residues 35363-35383): GEGGTSKTNL[Gln35373Lys]FMGQAFKSIH

ClinVar aggregate classification (germline): Conflicting classifications of pathogenicity. Review status: criteria provided, conflicting classifications (1 of 4 stars). 5 submissions from 5 submitters: Uncertain significance (4); Likely benign (1). Last evaluated 2025-12-18.

Conditions:
Dilated cardiomyopathy 1G (CMD1G). Identifiers: Orphanet 154, MedGen C1858763, MONDO:0011400, OMIM 604145.
Autosomal recessive limb-girdle muscular dystrophy type 2J (LGMDR10). Also called: Limb-girdle muscular dystrophy, type 2J; MUSCULAR DYSTROPHY, LIMB-GIRDLE, AUTOSOMAL RECESSIVE 10. Identifiers: Orphanet 140922, MedGen C1837342, MONDO:0012127, OMIM 608807.
Cardiovascular phenotype. Identifiers: MedGen CN230736.
TTN-related disorder. Also called: TTN-related disorders; TTN-related condition; TTN-related disease.

Allele frequency attached by ClinVar (database versions not stated): TOPMed below 0.00001; ExAC 0.00001; gnomAD exomes 0.00001.
gnomAD v4.1: 9 of 1,613,974 alleles (0.00056%); highest among the groups gnomAD compares: East Asian, 0.0022%; no homozygotes.

Submissions (5):

PreventionGenetics, part of Exact Sciences
Classification: Uncertain significance for TTN-related condition. Last evaluated: 2025-12-18. Review status: criteria provided, single submitter. Criteria: ACMG Guidelines, 2015. Collection method: clinical testing. Allele origin: germline.
Comment: The TTN c.106117C>A variant is predicted to result in the amino acid substitution p.Gln35373Lys. To our knowledge, this variant has not been reported in the literature. This variant is reported in 0.0056% of alleles in individuals of East Asian descent in gnomAD. At this time, the clinical significance of this variant is uncertain due to the absence of conclusive functional and genetic evidence.

Labcorp Genetics (formerly Invitae), Labcorp
Classification: Uncertain significance for Dilated cardiomyopathy 1G; Autosomal recessive limb-girdle muscular dystrophy type 2J. Last evaluated: 2025-10-02. Review status: criteria provided, single submitter. Criteria: Invitae Variant Classification Sherloc (09022015). Collection method: clinical testing. Allele origin: germline.
Comment: This sequence change replaces glutamine, which is neutral and polar, with lysine, which is basic and polar, at codon 35373 of the TTN protein (p.Gln35373Lys). This variant is present in population databases (rs778126842, gnomAD 0.006%). This variant has not been reported in the literature in individuals affected with TTN-related conditions. ClinVar contains an entry for this variant (Variation ID: 1064035). Experimental studies and prediction algorithms are not available or were not evaluated, and the functional significance of this variant is currently unknown. This variant is located in the M band of TTN (PMID: 25589632). Non-truncating variants in this region may be relevant for neuromuscular disorders, but have not been definitively shown to cause cardiomyopathy (PMID: 23975875). In summary, the available evidence is currently insufficient to determine the role of this variant in disease. Therefore, it has been classified as a Variant of Uncertain Significance.

Women's Health and Genetics/Laboratory Corporation of America, LabCorp
Classification: Uncertain significance. Last evaluated: 2022-01-31. Review status: criteria provided, single submitter. Criteria: LabCorp Variant Classification Summary - May 2015. Collection method: clinical testing. Allele origin: germline.
Comment: Variant summary: TTN c.98413C>A (p.Gln32805Lys) results in a conservative amino acid change located in the M-band region of the encoded protein sequence. Four of five in-silico tools predict a benign effect of the variant on protein function. The variant allele was found at a frequency of 8e-06 in 248974 control chromosomes (gnomAD). The available data on variant occurrences in the general population are insufficient to allow any conclusion about variant significance. To our knowledge, no occurrence of c.98413C>A in individuals affected with Dilated Cardiomyopathy and no experimental evidence demonstrating its impact on protein function have been reported. One ClinVar submitter has assessed the variant since 2014; the variant was classified as of uncertain significance. Based on the evidence outlined above, the variant was classified as uncertain significance.

Blueprint Genetics
Classification: Likely benign. Last evaluated: 2021-06-15. Review status: criteria provided, single submitter. Criteria: ACMG Guidelines, 2015. Collection method: clinical testing. Allele origin: germline.

Ambry Genetics
Classification: Uncertain significance for Cardiovascular phenotype. Last evaluated: 2020-01-31. Review status: criteria provided, single submitter. Criteria: Ambry Variant Classification Scheme 2023. Collection method: clinical testing. Allele origin: germline.
Comment: The p.Q26308K variant (also known as c.78922C>A), located in coding exon 185 of the TTN gene, results from a C to A substitution at nucleotide position 78922. The glutamine at codon 26308 is replaced by lysine, an amino acid with similar properties. This amino acid position is not well conserved in available vertebrate species. In addition, this alteration is predicted to be tolerated by in silico analysis. Since supporting evidence is limited at this time, the clinical significance of this alteration remains unclear.

Literature cited by the submitters: PubMed 25589632 (cited by Labcorp Genetics (formerly Invitae), Labcorp); PubMed 23975875 (cited by Labcorp Genetics (formerly Invitae), Labcorp).